The following is an entry in ClinVar:

NM_007194.4(CHEK2):c.1267G>C (p.Gly423Arg)

Gene: CHEK2 (checkpoint kinase 2; minus strand). Cytogenetic location: 22q12.1.
Variant type: single nucleotide variant.
Coding change: c.1267G>C on transcript NM_007194.4 (MANE Select); coding-DNA position 1267, G replaced by C.
Protein change: p.Gly423Arg; replaces glycine 423 with arginine.
Molecular consequence: missense variant.
Genome position (GRCh38, 1-based): chr22:28,695,235, C>G on the plus strand (G>C on the coding strand, the complement: CHEK2 is on the minus strand). VCF-style: chr22-28695235-C-G. GRCh37 (hg19) VCF-style: chr22-29091223-C-G.
Other names: c.1396G>C, p.Gly466Arg (NM_001005735.3); c.604G>C, p.Gly202Arg (NM_001257387.3); c.1066G>C, p.Gly356Arg (NM_001349956.3); c.1180G>C, p.Gly394Arg (NM_145862.3); short protein forms G202R, G466R, G394R, G356R, G423R.
Identifiers: ClinVar variation 3728521 (VCV003728521.2).
Genomic context (GRCh38, chr22:28,695,235, plus strand): 5'-CACTGGTGATCTGATCCTTCAGTGACACTTGAGTCCTATGCTCAGAGAAAGGTGGATACC[C>G]ACTAAGGCTTAATATTGGTAGAGAGAGAAAGGAAAAGAAATCAAGTGGCATTCTCAGTGG-3'
Protein context (NP_009125.1, residues 413-433): LGVILFICLS[Gly423Arg]YPPFSEHRTQ

ClinVar aggregate classification (germline): Uncertain significance (1 of 4 stars; one submission).

Conditions:
Familial cancer of breast. Also called: Hereditary breast cancer; BREAST CANCER, FAMILIAL; hereditary breast carcinoma. Identifiers: Orphanet 227535, MedGen C0346153, MONDO:0016419, OMIM 114480. Disease mechanism: loss of function.

Submission:

Labcorp Genetics (formerly Invitae), Labcorp
Classification: Uncertain significance for Familial cancer of breast. Last evaluated: 2025-12-24. Review status: criteria provided, single submitter. Criteria: Invitae Variant Classification Sherloc (09022015). Collection method: clinical testing. Allele origin: germline.
Comment: This sequence change replaces glycine, which is neutral and non-polar, with arginine, which is basic and polar, at codon 423 of the CHEK2 protein (p.Gly423Arg). This variant is not present in population databases (gnomAD no frequency). This variant has not been reported in the literature in individuals affected with CHEK2-related conditions. ClinVar contains an entry for this variant (Variation ID: 3728521). An algorithm developed to predict the effect of missense changes on protein structure and function (PolyPhen-2) suggests that this variant is likely to be disruptive. In summary, the available evidence is currently insufficient to determine the role of this variant in disease. Therefore, it has been classified as a Variant of Uncertain Significance.